The following is an entry in ClinVar:

ClinVar aggregate classification (germline): Pathogenic (1 of 4 stars; one submission).

Conditions:
VPS13A-related neurodegenerative disease. Also called: ACANTHOCYTOSIS WITH NEUROLOGIC DISORDER; LEVINE-CRITCHLEY SYNDROME; Choreoacanthocytosis; Chorea-acanthocytosis; Choreaacanthocytosis; VPS13A Disease. Identifiers: Orphanet 2388, MedGen C0393576, MONDO:0008695, OMIM 200150.

Submission:

Myriad Genetics, Inc.
Classification: Pathogenic for VPS13A-related neurodegenerative disease. Last evaluated: 2024-05-14. Review status: criteria provided, single submitter. Criteria: Myriad Autosomal Dominant, Autosomal Recessive and X-Linked Classification Criteria (2023). Collection method: clinical testing. Allele origin: unknown.
Comment: NM_033305.2(VPS13A):c.7985_7989del5(P2662Rfs*6) is expected to be pathogenic in the context of VPS13A disease. This variant is predicted to lead to an abnormal or absent protein product due to the creation of a premature termination codon in VPS13A, a gene where loss-of-function variants are known to be pathogenic. Please note: this variant was assessed in the context of healthy population screening.

NM_033305.3(VPS13A):c.7985_7989del (p.Pro2662fs)

Gene: VPS13A (vacuolar protein sorting 13 homolog A; plus strand). Cytogenetic location: 9q21.2.
Variant type: Deletion.
Coding change: c.7985_7989del on transcript NM_033305.3 (MANE Select); coding-DNA positions 7985 to 7989, 5 bases deleted (CCTTT; older notation c.7985_7989delCCTTT).
Protein change: p.Pro2662fs; shifts the reading frame from proline 2662.
Molecular consequence: frameshift variant.
Genome position (GRCh38, 1-based): chr9:77,358,388-77,358,392, CCTTT deleted. VCF-style (leftmost placement, unchanged base first): chr9-77358387-CCCTTT-C. GRCh37 (hg19) VCF-style: chr9-79973303-CCCTTT-C.
Other names: c.7868_7872del, p.Pro2623fs (NM_001018037.2); c.7985_7989del, p.Pro2662fs (NM_001018038.3, NM_015186.4); short protein forms P2623fs, P2662fs.
Identifiers: ClinVar variation 5011696 (VCV005011696.1).
Genomic context (GRCh38, chr9:77,358,387, plus strand): 5'-TAATATACTGATGTGTTTTTATTTTCTTAGATCCAAAATCAGATACATGGTGCTGTATTT[CCCTTT>C]GTGTTTTATCCTGTTAAACCTCCAAAGTCGGTCACCATGGATTCAGGTTTGTTTTTATTT-3'